The following is an entry in ClinVar:

ClinVar aggregate classification (germline): Conflicting classifications of pathogenicity. Review status: criteria provided, conflicting classifications (1 of 4 stars). 4 submissions from 4 submitters: Uncertain significance (3); Likely benign (1). Last evaluated 2025-05-01.

Conditions:
Hypokalemic periodic paralysis, type 1. Also called: Hypokalemic Periodic Paralysis Type 1 (AD); HypoPP. Identifiers: Orphanet 681, MedGen C3714580, MONDO:0042979, OMIM 170400.
Malignant hyperthermia, susceptibility to, 5 (MHS5). Also called: CACNA1S-Related Malignant Hyperthermia Susceptibility. Identifiers: Orphanet 423, MedGen C1866077, MONDO:0011163, OMIM 601887.
Thyrotoxic periodic paralysis, susceptibility to, 1 (TTPP1). Identifiers: Orphanet 79102, MedGen C2749982, MONDO:0008570, OMIM 188580.
Congenital myopathy 18. Also called: DIHYDROPYRIDINE RECEPTOR CONGENITAL MYOPATHY; DHPR CONGENITAL MYOPATHY; Myopathy, congenital, due to dihydropyridine receptor defect. Identifiers: MedGen C5830283, MONDO:0859514, OMIM 620246.

Allele frequency attached by ClinVar (database versions not stated): ExAC 0.00001; gnomAD exomes 0.00002; TOPMed 0.00002; gnomAD 0.00003 and 0.00004; 1000 Genomes Project 30x 0.00016; 1000 Genomes Project 0.00020.

Submissions (4):

Labcorp Genetics (formerly Invitae), Labcorp
Classification: Likely benign for Hypokalemic periodic paralysis, type 1; Malignant hyperthermia, susceptibility to, 5. Last evaluated: 2025-05-01. Review status: criteria provided, single submitter. Criteria: Invitae Variant Classification Sherloc (09022015). Collection method: clinical testing. Allele origin: germline.

Fulgent Genetics
Classification: Uncertain significance for Hypokalemic periodic paralysis, type 1; Thyrotoxic periodic paralysis, susceptibility to, 1; Malignant hyperthermia, susceptibility to, 5; Congenital myopathy 18. Last evaluated: 2024-04-20. Review status: criteria provided, single submitter. Criteria: ACMG Guidelines, 2015. Collection method: clinical testing. Allele origin: germline.

All of Us Research Program, National Institutes of Health
Classification: Uncertain significance for Malignant hyperthermia, susceptibility to, 5. Last evaluated: 2023-12-13. Review status: criteria provided, single submitter. Criteria: ACMG Guidelines, 2015. Collection method: clinical testing. Allele origin: germline. Inheritance: Autosomal dominant inheritance. Observed: 9 variant alleles, 9 heterozygotes.
Comment: This missense variant replaces arginine with tryptophan at codon 29 of the CACNA1S protein. Computational prediction is inconclusive regarding the impact of this variant on protein structure and function (internally defined REVEL score threshold 0.5 < inconclusive < 0.7, PMID: 27666373). To our knowledge, functional studies have not been reported for this variant. This variant has not been reported in individuals affected with CACNA1S-related disorders in the literature. This variant has been identified in 6/251472 chromosomes in the general population by the Genome Aggregation Database (gnomAD). The available evidence is insufficient to determine the role of this variant in disease conclusively. Therefore, this variant is classified as a Variant of Uncertain Significance.

This study involves interpretation of variants in research participants for the purpose of population health screening. Participant phenotype was not available at the time of variant classification. Additional details can be found in publication PMID: 35346344, PMCID: PMC8962531

Color Diagnostics, LLC DBA Color Health
Classification: Uncertain significance for Malignant hyperthermia, susceptibility to, 5. Last evaluated: 2023-11-08. Review status: criteria provided, single submitter. Criteria: ACMG Guidelines, 2015. Collection method: clinical testing. Allele origin: germline.
Comment: This missense variant replaces arginine with tryptophan at codon 29 of the CACNA1S protein. Computational prediction is inconclusive regarding the impact of this variant on protein structure and function. To our knowledge, functional studies have not been reported for this variant. This variant has not been reported in individuals affected with CACNA1S-related disorders in the literature. This variant has been identified in 6/251472 chromosomes in the general population by the Genome Aggregation Database (gnomAD). The available evidence is insufficient to determine the role of this variant in disease conclusively. Therefore, this variant is classified as a Variant of Uncertain Significance.

NM_000069.3(CACNA1S):c.85C>T (p.Arg29Trp)

Gene: CACNA1S (calcium voltage-gated channel subunit alpha1 S; minus strand). Cytogenetic location: 1q32.1.
Variant type: single nucleotide variant.
Coding change: c.85C>T on transcript NM_000069.3 (MANE Select); coding-DNA position 85, C replaced by T.
Protein change: p.Arg29Trp; replaces arginine 29 with tryptophan.
Molecular consequence: missense variant.
Genome position (GRCh38, 1-based): chr1:201,112,255, G>A on the plus strand (C>T on the coding strand, the complement: CACNA1S is on the minus strand). VCF-style: chr1-201112255-G-A. GRCh37 (hg19) VCF-style: chr1-201081383-G-A.
Other names: short protein forms R29W.
Identifiers: ClinVar variation 1058111 (VCV001058111.12), dbSNP rs577022740, ClinGen allele CA084021.
Genomic context (GRCh38, chr1:201,112,255, plus strand): 5'-CTACAATGCTGATGCAGGCCTTCCTCAGGGGGTTCTCCAGGGTCAGGCAGAACAAGGCCC[G>A]GGGTGGCCTTGGCAGAATCTCAGGAACTGGCTTCTTGGGCTGTTTCTTCCTCAGGCCTTC-3'
Protein context (NP_000060.2, residues 19-39): PVPEILPRPP[Arg29Trp]ALFCLTLENP